The following is an entry in ClinVar:

ClinVar aggregate classification (germline): Uncertain significance. Review status: criteria provided, multiple submitters, no conflicts (2 of 4 stars). 2 submissions from 2 submitters: Uncertain significance (2). Last evaluated 2024-03-15.

Conditions:
Propionic acidemia (PROP). Also called: GLYCINEMIA, KETOTIC; HYPERGLYCINEMIA WITH KETOACIDOSIS AND LEUKOPENIA; KETOTIC HYPERGLYCINEMIA. Identifiers: Orphanet 35, MedGen C0268579, MONDO:0011628, OMIM 606054, HP:0003571.

Allele frequency attached by ClinVar (database versions not stated): TOPMed below 0.00001; gnomAD 0.00001.
gnomAD v4.1: 13 of 1,605,086 alleles (0.00081%); highest among the groups gnomAD compares: Middle Eastern, 0.017%; 1 homozygote.

Submissions (2):

Women's Health and Genetics/Laboratory Corporation of America, LabCorp
Classification: Uncertain significance. Last evaluated: 2024-03-15. Review status: criteria provided, single submitter. Criteria: LabCorp Variant Classification Summary - May 2015. Collection method: clinical testing. Allele origin: germline.
Comment: Variant summary: PCCB c.646A>G (p.Met216Val) results in a conservative amino acid change located in the acetyl-coenzyme A carboxyltransferase, N-terminal domain (IPR011762) of the encoded protein sequence. Four of five in-silico tools predict a damaging effect of the variant on protein function. The variant allele was found at a frequency of 4e-06 in 251398 control chromosomes (gnomAD). The available data on variant occurrences in the general population are insufficient to allow any conclusion about variant significance. To our knowledge, no occurrence of c.646A>G in individuals affected with Propionic Acidemia and no experimental evidence demonstrating its impact on protein function have been reported. ClinVar contains an entry for this variant (Variation ID: 1495204). Based on the evidence outlined above, the variant was classified as uncertain significance.

Labcorp Genetics (formerly Invitae), Labcorp
Classification: Uncertain significance for Propionic acidemia. Last evaluated: 2021-09-17. Review status: criteria provided, single submitter. Criteria: Invitae Variant Classification Sherloc (09022015). Collection method: clinical testing. Allele origin: germline.
Comment: This sequence change replaces methionine with valine at codon 216 of the PCCB protein (p.Met216Val). The methionine residue is highly conserved and there is a small physicochemical difference between methionine and valine. This variant is present in population databases (rs747252352, ExAC 0.01%). This variant has not been reported in the literature in individuals with PCCB-related conditions. Advanced modeling of protein sequence and biophysical properties (such as structural, functional, and spatial information, amino acid conservation, physicochemical variation, residue mobility, and thermodynamic stability) performed at Invitae indicates that this missense variant is expected to disrupt PCCB protein function. In summary, the available evidence is currently insufficient to determine the role of this variant in disease. Therefore, it has been classified as a Variant of Uncertain Significance.

NM_000532.5(PCCB):c.646A>G (p.Met216Val)

Gene: PCCB (propionyl-CoA carboxylase subunit beta; plus strand). Cytogenetic location: 3q22.3.
Variant type: single nucleotide variant.
Coding change: c.646A>G on transcript NM_000532.5 (MANE Select); coding-DNA position 646, A replaced by G.
Protein change: p.Met216Val; replaces methionine 216 with valine.
Molecular consequence: missense variant.
Genome position (GRCh38, 1-based): chr3:136,283,939, A>G. VCF-style: chr3-136283939-A-G. GRCh37 (hg19) VCF-style: chr3-136002781-A-G.
Other names: c.706A>G, p.Met236Val (NM_001178014.2); short protein forms M236V, M216V.
Identifiers: ClinVar variation 1495204 (VCV001495204.7), dbSNP rs747252352, ClinGen allele CA2631803.